The following is an entry in ClinVar:

ClinVar aggregate classification (germline): Uncertain significance (1 of 4 stars; one submission).

Conditions:
PKD1-related disorder. Also called: PKD1-related condition.

gnomAD v4.1: 1 of 1,611,494 alleles (0.000062%); highest among the groups gnomAD compares: Middle Eastern, 0.017%; no homozygotes.

Submission:

PreventionGenetics, part of Exact Sciences
Classification: Uncertain significance for PKD1-related condition. Last evaluated: 2026-06-15. Review status: criteria provided, single submitter. Criteria: ACMG Guidelines, 2015. Collection method: clinical testing. Allele origin: germline.
Comment: The PKD1 c.5620T>C variant is predicted to result in the amino acid substitution p.Trp1874Arg. To our knowledge, this variant has not been reported in the literature or in a large population database (gnomAD), indicating this variant is rare. At this time, the clinical significance of this variant is uncertain due to the absence of conclusive functional and genetic evidence.

NM_001009944.3(PKD1):c.5620T>C (p.Trp1874Arg)

Gene: PKD1 (polycystin 1, transient receptor potential channel interacting; minus strand). Cytogenetic location: 16p13.3.
Variant type: single nucleotide variant.
Coding change: c.5620T>C on transcript NM_001009944.3 (MANE Select); coding-DNA position 5620, T replaced by C.
Protein change: p.Trp1874Arg; replaces tryptophan 1874 with arginine.
Molecular consequence: missense variant.
Genome position (GRCh38, 1-based): chr16:2,109,547, A>G on the plus strand (T>C on the coding strand, the complement: PKD1 is on the minus strand). VCF-style: chr16-2109547-A-G. GRCh37 (hg19) VCF-style: chr16-2159548-A-G.
Other names: c.5620T>C, p.Trp1874Arg (NM_000296.4); short protein forms W1874R.
Identifiers: ClinVar variation 4995154 (VCV004995154.1).